The following is an entry in ClinVar:

NM_000094.4(COL7A1):c.6329dup (p.Gly2111fs)

Gene: COL7A1 (collagen type VII alpha 1 chain; minus strand). Cytogenetic location: 3p21.31.
Variant type: Duplication.
Coding change: c.6329dup on transcript NM_000094.4 (MANE Select); coding-DNA position 6329, one base duplicated (C; older notation c.6329dupC).
Protein change: p.Gly2111fs; shifts the reading frame from glycine 2111.
Molecular consequence: frameshift variant.
Genome position (GRCh38, 1-based): chr3:48,574,816, G duplicated on the plus strand (C on the coding strand, the reverse complement: COL7A1 is on the minus strand); the first of 5 consecutive G bases (chr3:48,574,816-48,574,820); duplicating any one gives the same sequence. VCF-style (leftmost placement, unchanged base first): chr3-48574815-A-AG. GRCh37 (hg19) VCF-style: chr3-48612248-A-AG.
Other names: short protein forms G2111fs.
Identifiers: ClinVar variation 2026729 (VCV002026729.4), dbSNP rs2530954961, ClinGen allele CA2580069969.
Genomic context (GRCh38, chr3:48,574,815, plus strand): 5'-GCCATGGCAGAGGGTGGCCCCGAGCTGATTCCACACACTGACCTTAGCACCCTTGAGTCC[A>AG]GGGGGTCCCTGTTCTCCAGAGAGTCCAGGACCTGGCTCATCCACAGACACCTACAAACAC-3'

ClinVar aggregate classification (germline): Pathogenic (1 of 4 stars; one submission).

Submission:

Labcorp Genetics (formerly Invitae), Labcorp
Classification: Pathogenic. Last evaluated: 2022-01-13. Review status: criteria provided, single submitter. Criteria: Invitae Variant Classification Sherloc (09022015). Collection method: clinical testing. Allele origin: germline.
Comment: For these reasons, this variant has been classified as Pathogenic. This variant has not been reported in the literature in individuals affected with COL7A1-related conditions. This variant is not present in population databases (gnomAD no frequency). This sequence change creates a premature translational stop signal (p.Gly2111Trpfs*6) in the COL7A1 gene. It is expected to result in an absent or disrupted protein product. Loss-of-function variants in COL7A1 are known to be pathogenic (PMID: 16971478).

Literature cited by the submitters: PubMed 16971478.